The following is an entry in ClinVar:

ClinVar aggregate classification (germline): Uncertain significance (1 of 4 stars; one submission).

Conditions:
Combined immunodeficiency due to ZAP70 deficiency (IMD48). Also called: Immunodeficiency 48; ZAP70 Deficiency. Identifiers: Orphanet 911, MedGen C2931299, MONDO:0010023, OMIM 269840.

Allele frequency attached by ClinVar (database versions not stated): gnomAD 0.00001.
gnomAD v4.1: 1 of 1,591,204 alleles (0.000063%); highest among the groups gnomAD compares: Non-Finnish European, 0.000086%; no homozygotes.

Submission:

Labcorp Genetics (formerly Invitae), Labcorp
Classification: Uncertain significance for Combined immunodeficiency due to ZAP70 deficiency. Last evaluated: 2025-04-10. Review status: criteria provided, single submitter. Criteria: Invitae Variant Classification Sherloc (09022015). Collection method: clinical testing. Allele origin: germline.
Comment: This sequence change falls in intron 13 of the ZAP70 gene. It does not directly change the encoded amino acid sequence of the ZAP70 protein. It affects a nucleotide within the consensus splice site. This variant is not present in population databases (gnomAD no frequency). This variant has not been reported in the literature in individuals affected with ZAP70-related conditions. ClinVar contains an entry for this variant (Variation ID: 2906787). Variants that disrupt the consensus splice site are a relatively common cause of aberrant splicing (PMID: 17576681, 9536098). Algorithms developed to predict the effect of sequence changes on RNA splicing suggest that this variant may disrupt the consensus splice site. In summary, the available evidence is currently insufficient to determine the role of this variant in disease. Therefore, it has been classified as a Variant of Uncertain Significance.

Literature cited by the submitters: PubMed 17576681; PubMed 9536098.

NM_001079.4(ZAP70):c.1736+5G>A

Gene: ZAP70 (zeta chain of T cell receptor associated protein kinase 70; plus strand). Cytogenetic location: 2q11.2.
Variant type: single nucleotide variant.
Coding change: c.1736+5G>A on transcript NM_001079.4 (MANE Select); 5 bases into the intron after coding-DNA position 1736, G replaced by A.
Molecular consequence: intron variant.
Genome position (GRCh38, 1-based): chr2:97,738,112, G>A. VCF-style: chr2-97738112-G-A. GRCh37 (hg19) VCF-style: chr2-98354575-G-A.
Other names: c.1736+5G>A (NM_001378594.1); c.815+5G>A (NM_207519.2).
Identifiers: ClinVar variation 2906787 (VCV002906787.3), dbSNP rs1379971191, ClinGen allele CA534651799.
Genomic context (GRCh38, chr2:97,738,112, plus strand): 5'-CCACCAGAGTGTCCACCCGAACTGTACGCACTCATGAGTGACTGCTGGATCTACAAGTGA[G>A]TGCCAGTGGGGAGGGGACCCGGCTGGGCTGACCCCTGGAAAGTCCTGGTGCCCGATGAGT-3'